The following is an entry in ClinVar:

ClinVar aggregate classification (germline): Pathogenic. Review status: criteria provided, single submitter (1 of 4 stars). 2 submissions from 2 submitters: Pathogenic (1). 1 of the submissions does not count toward it. Last evaluated 2024-04-09.

Conditions:
Ehlers-Danlos syndrome, type 4 (EDSVASC). Also called: Ehlers-Danlos syndrome vascular type; Ehlers Danlos syndrome, ecchymotic type; Ehlers Danlos syndrome, arterial type; Ehlers Danlos syndrome, Sack-Barabas type; Ehlers-Danlos Syndrome Type IV. Identifiers: Orphanet 286, MedGen C0268338, MONDO:0017314, OMIM 130050.

Submissions (2):

Labcorp Genetics (formerly Invitae), Labcorp
Classification: Pathogenic for Ehlers-Danlos syndrome, type 4. Last evaluated: 2024-04-09. Review status: criteria provided, single submitter. Criteria: Invitae Variant Classification Sherloc (09022015). Collection method: clinical testing. Allele origin: germline.
Comment: This sequence change creates a premature translational stop signal (p.Gln1283*) in the COL3A1 gene. It is expected to result in an absent or disrupted protein product. Loss-of-function variants in COL3A1 are known to be pathogenic (PMID: 24922459). This variant is not present in population databases (gnomAD no frequency). This premature translational stop signal has been observed in individual(s) with clinical features of vascular Ehlers-Danlos syndrome (PMID: 21637106, 24650746). ClinVar contains an entry for this variant (Variation ID: 101160). For these reasons, this variant has been classified as Pathogenic.

Collagen Diagnostic Laboratory, University of Washington
Classification: Pathogenic for Ehlers-Danlos syndrome, type 4. Review status: no assertion criteria provided. Collection method: clinical testing. Allele origin: germline. Affected: yes. Not counted in ClinVar's aggregate classification.

Literature cited by the submitters: PubMed 24922459 (cited by Labcorp Genetics (formerly Invitae), Labcorp); PubMed 21637106 (cited by Labcorp Genetics (formerly Invitae), Labcorp and Collagen Diagnostic Laboratory, University of Washington); PubMed 24650746 (cited by Labcorp Genetics (formerly Invitae), Labcorp).

NM_000090.4(COL3A1):c.3847C>T (p.Gln1283Ter)

Gene: COL3A1 (collagen type III alpha 1 chain; plus strand). Cytogenetic location: 2q32.2.
Variant type: single nucleotide variant.
Coding change: c.3847C>T on transcript NM_000090.4 (MANE Select); coding-DNA position 3847, C replaced by T.
Protein change: p.Gln1283Ter; replaces glutamine 1283 with a stop codon.
Molecular consequence: nonsense.
Genome position (GRCh38, 1-based): chr2:189,010,201, C>T. VCF-style: chr2-189010201-C-T. GRCh37 (hg19) VCF-style: chr2-189874927-C-T.
Other names: NP_000081.1:p.Gln1283*; short protein forms Q1283*.
Identifiers: ClinVar variation 101160 (VCV000101160.4), dbSNP rs587779467, ClinGen allele CA006727.